The following is an entry in ClinVar:

ClinVar aggregate classification (germline): Uncertain significance (1 of 4 stars; one submission).

Conditions:
ANKRD11-related disorder. Also called: ANKRD11-related condition.

Submission:

PreventionGenetics, part of Exact Sciences
Classification: Uncertain significance for ANKRD11-related condition. Last evaluated: 2025-08-12. Review status: criteria provided, single submitter. Criteria: ACMG Guidelines, 2015. Collection method: clinical testing. Allele origin: germline.
Comment: The ANKRD11 c.5189A>G variant is predicted to result in the amino acid substitution p.Asp1730Gly. To our knowledge, this variant has not been reported in the literature or in a large population database (gnomAD), indicating this variant is rare. At this time, the clinical significance of this variant is uncertain due to the absence of conclusive functional and genetic evidence.

NM_013275.6(ANKRD11):c.5189A>G (p.Asp1730Gly)

Gene: ANKRD11 (ankyrin repeat domain 11; minus strand). Cytogenetic location: 16q24.3.
Variant type: single nucleotide variant.
Coding change: c.5189A>G on transcript NM_013275.6 (MANE Select); coding-DNA position 5189, A replaced by G.
Protein change: p.Asp1730Gly; replaces aspartic acid 1730 with glycine.
Molecular consequence: missense variant.
Genome position (GRCh38, 1-based): chr16:89,281,353, T>C on the plus strand (A>G on the coding strand, the complement: ANKRD11 is on the minus strand). VCF-style: chr16-89281353-T-C. GRCh37 (hg19) VCF-style: chr16-89347761-T-C.
Other names: c.5189A>G, p.Asp1730Gly (NM_001256182.2, NM_001256183.2); short protein forms D1730G.
Identifiers: ClinVar variation 4997729 (VCV004997729.1).